The following is an entry in ClinVar:

ClinVar aggregate classification (germline): Likely benign. Review status: criteria provided, single submitter (1 of 4 stars). 2 submissions from 2 submitters: Likely benign (1). 1 of the submissions does not count toward it. Last evaluated 2024-11-16.

Conditions:
Intellectual disability, autosomal recessive 53 (NEDHSCA). Also called: GLYCOSYLPHOSPHATIDYLINOSITOL BIOSYNTHESIS DEFECT 13; Mental retardation, autosomal recessive 53; NEURODEVELOPMENTAL DISORDER WITH OR WITHOUT HYPOTONIA, SEIZURES, AND CEREBELLAR ATROPHY. Identifiers: Orphanet 488635, MedGen C4310794, MONDO:0014832, OMIM 616917.
PIGG-related disorder. Also called: PIGG-related condition.

Allele frequency attached by ClinVar (database versions not stated): ExAC 0.00002; gnomAD 0.00001; gnomAD exomes 0.00001 and 0.00002.
gnomAD v4.1: 6 of 1,603,340 alleles (0.00037%); highest among the groups gnomAD compares: Admixed American, 0.01%; no homozygotes.

Submissions (2):

Labcorp Genetics (formerly Invitae), Labcorp
Classification: Likely benign for Intellectual disability, autosomal recessive 53. Last evaluated: 2024-11-16. Review status: criteria provided, single submitter. Criteria: Invitae Variant Classification Sherloc (09022015). Collection method: clinical testing. Allele origin: germline.

PreventionGenetics, part of Exact Sciences
Classification: Likely benign for PIGG-related condition. Last evaluated: 2019-05-08. Review status: no assertion criteria provided. Collection method: clinical testing. Allele origin: germline. Not counted in ClinVar's aggregate classification.
Comment: This variant is classified as likely benign based on ACMG/AMP sequence variant interpretation guidelines (Richards et al. 2015 PMID: 25741868, with internal and published modifications).

NM_001127178.3(PIGG):c.1992C>T (p.Cys664=)

Gene: PIGG (phosphatidylinositol glycan anchor biosynthesis class G (EMM blood group); plus strand). Cytogenetic location: 4p16.3.
Variant type: single nucleotide variant.
Coding change: c.1992C>T on transcript NM_001127178.3 (MANE Select); coding-DNA position 1992, C replaced by T.
Protein change: p.Cys664=; no amino-acid change (cysteine 664 retained).
Molecular consequence: synonymous variant. On other transcripts: non-coding transcript variant (6).
Genome position (GRCh38, 1-based): chr4:523,836, C>T. VCF-style: chr4-523836-C-T. GRCh37 (hg19) VCF-style: chr4-517625-C-T.
Other names: c.1725C>T, p.Cys575= (NM_001289051.2, NM_001345986.2); c.1593C>T, p.Cys531= (NM_001289052.2); c.1701C>T, p.Cys567= (NM_001345987.2); c.963C>T, p.Cys321= (NM_001345988.2); c.459C>T, p.Cys153= (NM_001345990.2, NM_001345991.2); c.894C>T, p.Cys298= (NM_001345994.2); c.1968C>T, p.Cys656= (NM_017733.5).
Identifiers: ClinVar variation 542897 (VCV000542897.12), dbSNP rs758199421, ClinGen allele CA2793498.